The following is an entry in ClinVar:

NM_144997.7(FLCN):c.1300+8C>G

Gene: FLCN (folliculin; minus strand). Cytogenetic location: 17p11.2.
Variant type: single nucleotide variant.
Coding change: c.1300+8C>G on transcript NM_144997.7 (MANE Select); 8 bases into the intron after coding-DNA position 1300, C replaced by G.
Molecular consequence: intron variant.
Genome position (GRCh38, 1-based): chr17:17,216,372, G>C on the plus strand (C>G on the coding strand, the complement: FLCN is on the minus strand). VCF-style: chr17-17216372-G-C. GRCh37 (hg19) VCF-style: chr17-17119686-G-C.
Other names: c.1300+8C>G (NM_001353231.2, NM_001353230.2); c.1354+8C>G (NM_001353229.2).
Identifiers: ClinVar variation 3773008 (VCV003773008.1).

ClinVar aggregate classification (germline): Likely benign (1 of 4 stars; one submission).

Conditions:
Birt-Hogg-Dube syndrome 1 (BHD1). Also called: FIBROFOLLICULOMAS WITH TRICHODISCOMAS AND ACROCHORDONS. Identifiers: Orphanet 122, MedGen CN375946, MONDO:0800445, OMIM 135150.

Submission:

Myriad Genetics, Inc.
Classification: Likely benign for Birt-Hogg-Dube syndrome 1. Last evaluated: 2024-10-24. Review status: criteria provided, single submitter. Criteria: Myriad Autosomal Dominant, Autosomal Recessive and X-Linked Classification Criteria (2023). Collection method: clinical testing. Allele origin: unknown.
Comment: This variant is considered likely benign. This variant is intronic and is not expected to impact mRNA splicing.